The following is an entry in ClinVar:

NM_000540.3(RYR1):c.2629A>G (p.Ile877Val)

Gene: RYR1 (ryanodine receptor 1; plus strand). Cytogenetic location: 19q13.2.
Variant type: single nucleotide variant.
Coding change: c.2629A>G on transcript NM_000540.3 (MANE Select); coding-DNA position 2629, A replaced by G.
Protein change: p.Ile877Val; replaces isoleucine 877 with valine.
Molecular consequence: missense variant.
Genome position (GRCh38, 1-based): chr19:38,463,474, A>G. VCF-style: chr19-38463474-A-G. GRCh37 (hg19) VCF-style: chr19-38954114-A-G.
Other names: c.2629A>G, p.Ile877Val (NM_001042723.2); short protein forms I877V.
Identifiers: ClinVar variation 1345179 (VCV001345179.8), dbSNP rs1450654907, ClinGen allele CA405631950.

ClinVar aggregate classification (germline): Uncertain significance. Review status: criteria provided, multiple submitters, no conflicts (2 of 4 stars). 3 submissions from 3 submitters: Uncertain significance (3). Last evaluated 2024-04-17.

Conditions:
RYR1-related disorder. Also called: RYR1-related condition; RYR1-related disorders. Identifiers: MedGen CN239331.
Malignant hyperthermia, susceptibility to, 1 (MHS1). Also called: Anesthesia related hyperthermia; Malignant hyperpyrexia; Fulminating hyperpyrexia; Pharmacogenic myopathy; RYR1-Related Malignant Hyperthermia Susceptibility; Malignant hyperthermia suceptibility 1. Identifiers: Orphanet 423, MedGen C2930980, MONDO:0007783, OMIM 145600.

Allele frequency attached by ClinVar (database versions not stated): gnomAD exomes below 0.00001 and 0.00001; gnomAD 0.00001; TOPMed 0.00001.

Submissions (3):

Color Diagnostics, LLC DBA Color Health
Classification: Uncertain significance for Malignant hyperthermia, susceptibility to, 1. Last evaluated: 2024-04-17. Review status: criteria provided, single submitter. Criteria: ACMG Guidelines, 2015. Collection method: clinical testing. Allele origin: germline.
Comment: This missense variant replaces isoleucine with valine at codon 877 of the RYR1 protein. Computational prediction is inconclusive regarding the impact of this variant on protein structure and function. To our knowledge, functional studies have not been reported for this variant. This variant has not been reported in individuals affected with RYR1-related disorders in the literature. This variant has been identified in 3/282150 chromosomes in the general population by the Genome Aggregation Database (gnomAD). The available evidence is insufficient to determine the role of this variant in disease conclusively. Therefore, this variant is classified as a Variant of Uncertain Significance.

Labcorp Genetics (formerly Invitae), Labcorp
Classification: Uncertain significance for RYR1-related disorder. Last evaluated: 2022-08-25. Review status: criteria provided, single submitter. Criteria: Invitae Variant Classification Sherloc (09022015). Collection method: clinical testing. Allele origin: germline.
Comment: This sequence change replaces isoleucine, which is neutral and non-polar, with valine, which is neutral and non-polar, at codon 877 of the RYR1 protein (p.Ile877Val). This variant is present in population databases (no rsID available, gnomAD 0.002%). This variant has not been reported in the literature in individuals affected with RYR1-related conditions. ClinVar contains an entry for this variant (Variation ID: 1345179). Advanced modeling of protein sequence and biophysical properties (such as structural, functional, and spatial information, amino acid conservation, physicochemical variation, residue mobility, and thermodynamic stability) performed at Invitae indicates that this missense variant is not expected to disrupt RYR1 protein function. In summary, the available evidence is currently insufficient to determine the role of this variant in disease. Therefore, it has been classified as a Variant of Uncertain Significance.

Revvity Omics, Revvity
Classification: Uncertain significance. Last evaluated: 2019-08-19. Review status: criteria provided, single submitter. Criteria: ACMG Guidelines, 2015. Collection method: clinical testing. Allele origin: germline.